The following is an entry in ClinVar:

ClinVar aggregate classification (germline): Benign. Review status: criteria provided, multiple submitters, no conflicts (2 of 4 stars). 14 submissions from 10 submitters: Benign (13). 1 of the submissions does not count toward it. Last evaluated 2026-02-04.

Conditions:
Autosomal recessive limb-girdle muscular dystrophy type 2Q (LGMDR17). Also called: MUSCULAR DYSTROPHY, LIMB-GIRDLE, AUTOSOMAL RECESSIVE 17. Identifiers: Orphanet 254361, MedGen C3150989, MONDO:0013390, OMIM 613723.
Epidermolysis bullosa simplex 5C, with pyloric atresia (EBS5C). Also called: PLEC-Related Epidermolysis Bullosa with Pyloric Atresia; Epidermolysis bullosa simplex with pyloric atresia; PLEC1-Related Epidermolysis Bullosa with Pyloric Atresia. Identifiers: Orphanet 158684, MedGen C2677349, MONDO:0012807, OMIM 612138.
Epidermolysis bullosa simplex 5B, with muscular dystrophy (EBS5B). Also called: EPIDERMOLYSIS BULLOSA SIMPLEX AND LIMB-GIRDLE MUSCULAR DYSTROPHY; Epidermolysis bullosa simplex with muscular dystrophy. Identifiers: Orphanet 257, MedGen C2931072, MONDO:0009181, OMIM 226670.
Epidermolysis bullosa simplex with nail dystrophy (EBS5D). Identifiers: MedGen C4225309, MONDO:0014661, OMIM 616487.
Epidermolysis bullosa simplex, Ogna type (EBS5A). Also called: EPIDERMOLYSIS BULLOSA SIMPLEX 5A, OGNA TYPE; Pidermolysis bullosa simplex 5A, Ogna type. Identifiers: Orphanet 79401, MedGen C0432317, MONDO:0007555, OMIM 131950.

Allele frequency attached by ClinVar (database versions not stated): 1000 Genomes Project 30x 0.22876; 1000 Genomes Project 0.23023; TOPMed 0.28086; gnomAD 0.29844 and 0.30025; ESP Exome Variant Server 0.30211; ExAC 0.34463; gnomAD exomes 0.34496 and 0.39705.
gnomAD v4.1: 624,751 of 1,612,104 alleles (39%); highest among the groups gnomAD compares: Non-Finnish European, 42%; 127,617 homozygotes.

Submissions (14):

Labcorp Genetics (formerly Invitae), Labcorp
Classification: Benign for Autosomal recessive limb-girdle muscular dystrophy type 2Q; Epidermolysis bullosa simplex, Ogna type; Epidermolysis bullosa simplex with nail dystrophy; Epidermolysis bullosa simplex 5C, with pyloric atresia; Epidermolysis bullosa simplex 5B, with muscular dystrophy. Last evaluated: 2026-02-04. Review status: criteria provided, single submitter. Criteria: Invitae Variant Classification Sherloc (09022015). Collection method: clinical testing. Allele origin: germline.

Blueprint Genetics
Classification: Benign. Last evaluated: 2024-11-27. Review status: criteria provided, single submitter. Criteria: ACMG Guidelines, 2015. Collection method: clinical testing. Allele origin: germline.

Genome-Nilou Lab
Classification: Benign for Epidermolysis bullosa simplex with nail dystrophy. Last evaluated: 2021-10-25. Review status: criteria provided, single submitter. Criteria: ACMG Guidelines, 2015. Collection method: clinical testing. Allele origin: germline. Affected: no.

Genome-Nilou Lab
Classification: Benign for Epidermolysis bullosa simplex, Ogna type. Last evaluated: 2021-10-25. Review status: criteria provided, single submitter. Criteria: ACMG Guidelines, 2015. Collection method: clinical testing. Allele origin: germline. Affected: no.

Genome-Nilou Lab
Classification: Benign for Epidermolysis bullosa simplex 5B, with muscular dystrophy. Last evaluated: 2021-10-25. Review status: criteria provided, single submitter. Criteria: ACMG Guidelines, 2015. Collection method: clinical testing. Allele origin: germline. Affected: no.

Genome-Nilou Lab
Classification: Benign for Epidermolysis bullosa simplex 5C, with pyloric atresia. Last evaluated: 2021-10-25. Review status: criteria provided, single submitter. Criteria: ACMG Guidelines, 2015. Collection method: clinical testing. Allele origin: germline. Affected: no.

Genome-Nilou Lab
Classification: Benign for Autosomal recessive limb-girdle muscular dystrophy type 2Q. Last evaluated: 2021-10-25. Review status: criteria provided, single submitter. Criteria: ACMG Guidelines, 2015. Collection method: clinical testing. Allele origin: germline. Affected: no.

Mayo Clinic Laboratories, Mayo Clinic
Classification: Benign. Last evaluated: 2017-07-24. Review status: criteria provided, single submitter. Criteria: ACMG Guidelines, 2015. Collection method: clinical testing. Allele origin: germline. Observed: 784 variant alleles.

GeneDx
Classification: Benign. Last evaluated: 2015-03-03. Review status: criteria provided, single submitter. Criteria: GeneDx Variant Classification Process June 2021. Collection method: clinical testing. Allele origin: germline. Affected: yes.

Laboratory for Molecular Medicine, Mass General Brigham Personalized Medicine
Classification: Benign. Last evaluated: 2015-01-13. Review status: criteria provided, single submitter. Criteria: LMM Criteria. Collection method: clinical testing. Allele origin: germline. Observed: 8 variant alleles.
Comment: p.Asn2888Asn in exon 32 of PLEC: This variant is not expected to have clinical s ignificance because it does not alter an amino acid residue and is not located w ithin the splice consensus sequence. It has been identified in 40.8% (3418/8374) of European American chromosomes from a broad population by the NHLBI Exome Seq uencing Project (dbSNP rs11777402).

Eurofins Ntd Llc (ga)
Classification: Benign. Last evaluated: 2013-04-18. Review status: criteria provided, single submitter. Criteria: EGL Classification Definitions 2015. Collection method: clinical testing. Allele origin: germline. Observed: 7 variant alleles, 6 heterozygotes, 1 homozygote.

Breakthrough Genomics
Classification: Benign. Review status: criteria provided, single submitter. Criteria: ACMG Guidelines, 2015. Collection method: not provided. Allele origin: germline. Inheritance: Autosomal recessive inheritance. Affected: yes.

PreventionGenetics, part of Exact Sciences
Classification: Benign. Review status: criteria provided, single submitter. Criteria: ACMG Guidelines, 2015. Collection method: clinical testing. Allele origin: germline.

Genetic Services Laboratory, University of Chicago
Classification: Likely benign for AllHighlyPenetrant. Review status: no assertion criteria provided. Collection method: clinical testing. Allele origin: germline. Inheritance: Autosomal recessive inheritance. Not counted in ClinVar's aggregate classification.
Comment: Likely benign based on allele frequency in 1000 Genomes Project or ESP global frequency and its presence in a patient with a rare or unrelated disease phenotype. NOT Sanger confirmed.

NM_201384.3(PLEC):c.8253C>T (p.Asn2751=)

Gene: PLEC (plectin; minus strand). Cytogenetic location: 8q24.3.
Variant type: single nucleotide variant.
Coding change: c.8253C>T on transcript NM_201384.3 (MANE Select); coding-DNA position 8253, C replaced by T.
Protein change: p.Asn2751=; no amino-acid change (asparagine 2751 retained).
Molecular consequence: synonymous variant.
Genome position (GRCh38, 1-based): chr8:143,921,568, G>A on the plus strand (C>T on the coding strand, the complement: PLEC is on the minus strand). VCF-style: chr8-143921568-G-A. GRCh37 (hg19) VCF-style: chr8-144995736-G-A.
Other names: p.Asn2737=; c.8334C>T, p.Asn2778= (NM_000445.5); c.8211C>T, p.Asn2737= (NM_201378.4); c.8187C>T, p.Asn2729= (NM_201379.3); c.8664C>T, p.Asn2888= (NM_201380.4); c.8157C>T, p.Asn2719= (NM_201381.3); c.8253C>T, p.Asn2751= (NM_201382.4); c.8265C>T, p.Asn2755= (NM_201383.3).
Identifiers: ClinVar variation 93084 (VCV000093084.28), dbSNP rs11777402, ClinGen allele CA146582.
Genomic context (GRCh38, chr8:143,921,568, plus strand): 5'-CTCGGCCGACAGCAGCTTGTGGTGCAGCTCGGGGCCCACCACACCCTCCTTCACAGCCTC[G>A]TTGACGGTCAGCCGCCGGTTCCGCACAGGGTCCAGCAGGAAGCCTGAGGCCGCCTGCGCC-3'
Protein context (NP_958786.1, residues 2741-2761): DPVRNRRLTV[Asn2751=]EAVKEGVVGP